The following is an entry in ClinVar:

NM_001267550.2(TTN):c.95617C>A (p.Leu31873Met)

Genes: TTN (titin; minus strand), TTN-AS1 (TTN antisense RNA 1; plus strand). Cytogenetic location: 2q31.2.
Variant type: single nucleotide variant.
Coding change: c.95617C>A on transcript NM_001267550.2 (MANE Select); coding-DNA position 95617, C replaced by A.
Protein change: p.Leu31873Met; replaces leucine 31873 with methionine.
Molecular consequence: missense variant.
Genome position (GRCh38, 1-based): chr2:178,545,493, G>T on the plus strand (C>A on the coding strand, the complement: TTN is on the minus strand). VCF-style: chr2-178545493-G-T. GRCh37 (hg19) VCF-style: chr2-179410220-G-T.
Other names: p.L30232M:CTG>ATG; c.90694C>A, p.Leu30232Met (NM_001256850.1); c.68422C>A, p.Leu22808Met (NM_003319.4); c.87913C>A, p.Leu29305Met (NM_133378.4); c.68797C>A, p.Leu22933Met (NM_133432.3); c.68998C>A, p.Leu23000Met (NM_133437.4); short protein forms L30232M, L31873M, L23000M, L22808M, L29305M, L22933M.
Identifiers: ClinVar variation 203016 (VCV000203016.2), dbSNP rs748974241, ClinGen allele CA310986.
Genomic context (GRCh38, chr2:178,545,493, plus strand): 5'-CACTGTTACCAGCTGCATTCACTGCGGTCACCCGGAACTGGTAATCACAACCCTCCATCA[G>T]GCTGGTCACCTTCAGCCTGGTATCATACACCACATAGTCTTTGTTGACACGTGTCCAGCG-3'
Protein context (NP_001254479.2, residues 31863-31883): VYDTRLKVTS[Leu31873Met]MEGCDYQFRV

ClinVar aggregate classification (germline): Uncertain significance (1 of 4 stars; one submission).

Allele frequency attached by ClinVar (database versions not stated): ExAC 0.00001; gnomAD exomes 0.00001.
gnomAD v4.1: 1 of 1,613,596 alleles (0.000062%); highest among the groups gnomAD compares: Non-Finnish European, 0.000085%; no homozygotes.

Submission:

GeneDx
Classification: Uncertain significance. Last evaluated: 2014-10-23. Review status: criteria provided, single submitter. Criteria: GeneDx Variant Classification (06012015). Collection method: clinical testing. Allele origin: germline. Affected: yes.
Comment: Missense variants in the TTN gene are considered 'unclassified' if they are not previously reported in the literature and do not have >1% frequency in the population to be considered a polymorphism. Research indicates that truncating mutations in the TTN gene are expected to account for approximately 25% of familial and 18% of sporadic idiopathic DCM; however, truncating variants in the TTN gene have been reported in approximately 3% of reported control alleles. There has been little investigation into non-truncating variants. (Herman D et al. Truncations of titin causing dilated cardiomyopathy. N Eng J Med 366:619-628, 2012) The variant is found in DCM-CRDM panel(s).